The following is an entry in ClinVar:

ClinVar aggregate classification (germline): Uncertain significance (1 of 4 stars; one submission).

Submission:

Labcorp Genetics (formerly Invitae), Labcorp
Classification: Uncertain significance. Last evaluated: 2025-12-27. Review status: criteria provided, single submitter. Criteria: Invitae Variant Classification Sherloc (09022015). Collection method: clinical testing. Allele origin: germline.
Comment: This sequence change replaces serine, which is neutral and polar, with proline, which is neutral and non-polar, at codon 158 of the SERPING1 protein (p.Ser158Pro). This variant is not present in population databases (gnomAD no frequency). This variant has not been reported in the literature in individuals affected with SERPING1-related conditions. Invitae Evidence Modeling of protein sequence and biophysical properties (such as structural, functional, and spatial information, amino acid conservation, physicochemical variation, residue mobility, and thermodynamic stability) indicates that this missense variant is expected to disrupt SERPING1 protein function with a positive predictive value of 80%. In summary, the available evidence is currently insufficient to determine the role of this variant in disease. Therefore, it has been classified as a Variant of Uncertain Significance.

NM_000062.3(SERPING1):c.472T>C (p.Ser158Pro)

Gene: SERPING1 (serpin family G member 1; plus strand). Cytogenetic location: 11q12.1.
Variant type: single nucleotide variant.
Coding change: c.472T>C on transcript NM_000062.3 (MANE Select); coding-DNA position 472, T replaced by C.
Protein change: p.Ser158Pro; replaces serine 158 with proline.
Molecular consequence: missense variant.
Genome position (GRCh38, 1-based): chr11:57,600,299, T>C. VCF-style: chr11-57600299-T-C. GRCh37 (hg19) VCF-style: chr11-57367772-T-C.
Other names: c.472T>C, p.Ser158Pro (NM_001032295.2); short protein forms S158P.
Identifiers: ClinVar variation 4718353 (VCV004718353.1).
Genomic context (GRCh38, chr11:57,600,299, plus strand): 5'-ACAGAGGCCGTGTTGGGGGATGCTTTGGTAGATTTCTCCCTGAAGCTCTACCACGCCTTC[T>C]CAGCAATGAAGAAGGTGGAGACCAACATGGCCTTTTCCCCATTCAGCATCGCCAGCCTCC-3'
Protein context (NP_000053.2, residues 148-168): DFSLKLYHAF[Ser158Pro]AMKKVETNMA